The following is an entry in ClinVar:

ClinVar aggregate classification (germline): Conflicting classifications of pathogenicity. Review status: criteria provided, conflicting classifications (1 of 4 stars). 7 submissions from 7 submitters: Uncertain significance (5); Likely benign (2). Last evaluated 2026-09-16.

Conditions:
CACNA1C-related disorder. Also called: CACNA1C-related disorders; CACNA1C-related condition. Identifiers: MedGen CN381092, MONDO:0700321.
Long QT syndrome 8. Identifiers: MedGen CN260585, MONDO:0032756, OMIM 618447.
Cardiovascular phenotype. Identifiers: MedGen CN230736.
Timothy syndrome (TS). Also called: LONG QT SYNDROME WITH SYNDACTYLY. Identifiers: Orphanet 65283, MedGen C1832916, MeSH C536962, MONDO:0010979, OMIM 601005.
Brugada syndrome 3 (BRGDA3). Identifiers: Orphanet 130, MedGen C2678478, MONDO:0012742, OMIM 611875.
Long QT syndrome (LQTS). Identifiers: MedGen C0023976, MeSH D008133, MONDO:0002442. Disease mechanism: loss of function. Inheritance: Various modes of inheritance.

Allele frequency attached by ClinVar (database versions not stated): TOPMed 0.00003; gnomAD exomes 0.00002; ExAC 0.00003.
gnomAD v4.1: 32 of 1,612,160 alleles (0.002%); highest among the groups gnomAD compares: African/African-American, 0.0093%; no homozygotes.

Submissions (7):

PreventionGenetics, part of Exact Sciences
Classification: Uncertain significance for CACNA1C-related condition. Last evaluated: 2026-09-16. Review status: criteria provided, single submitter. Criteria: ACMG Guidelines, 2015. Collection method: clinical testing. Allele origin: germline.
Comment: The CACNA1C c.5456G>A variant is predicted to result in the amino acid substitution p.Arg1819Gln. This variant has been reported as a variant of uncertain significance in a cohort of individuals referred for genetic testing of cardiomyopathy and/or arrhythmia; however, detailed clinical information was not available (Supplement 2, Dellefave-Castillo et al. 2022. PubMed ID: 35947370). This variant is reported in 0.0066% of alleles in individuals of South Asian descent in gnomAD. At this time, the clinical significance of this variant is uncertain due to the absence of conclusive functional and genetic evidence.

Labcorp Genetics (formerly Invitae), Labcorp
Classification: Uncertain significance for Long QT syndrome. Last evaluated: 2026-01-27. Review status: criteria provided, single submitter. Criteria: Invitae Variant Classification Sherloc (09022015). Collection method: clinical testing. Allele origin: germline.
Comment: This sequence change replaces arginine, which is basic and polar, with glutamine, which is neutral and polar, at codon 1819 of the CACNA1C protein (p.Arg1819Gln). This variant is present in population databases (rs764212214, gnomAD 0.007%). This variant has not been reported in the literature in individuals affected with CACNA1C-related conditions. ClinVar contains an entry for this variant (Variation ID: 456980). Invitae Evidence Modeling of protein sequence and biophysical properties (such as structural, functional, and spatial information, amino acid conservation, physicochemical variation, residue mobility, and thermodynamic stability) indicates that this missense variant is not expected to disrupt CACNA1C protein function with a negative predictive value of 95%. In summary, the available evidence is currently insufficient to determine the role of this variant in disease. Therefore, it has been classified as a Variant of Uncertain Significance.

Victorian Clinical Genetics Services, Murdoch Childrens Research Institute
Classification: Uncertain significance for Long QT syndrome 8. Last evaluated: 2025-07-15. Review status: criteria provided, single submitter. Criteria: ACMG Guidelines, 2015. Collection method: clinical testing. Allele origin: germline. Affected: yes.
Comment: This variant is classified as VUS-3C. Evidence in support of pathogenic classification: Variant is present in gnomAD <0.001 for a dominant condition (v4: 32 heterozygote(s), 0 homozygote(s)). Evidence in support of benign classification: Same amino acid change has been observed in mammals. Additional information: Variant is predicted to result in a missense amino acid change from arginine to glutamine; This variant is heterozygous; This gene is associated with autosomal dominant disease; Alternative amino acid change(s) at the same position are present in gnomAD (Highest allele count: v4: 18 heterozygote(s), 0 homozygote(s)); Previous reports of pathogenicity are conflicting. This variant has been classified as likely benign and as a VUS by clinical laboratories in ClinVar, and reported in the literature in an individual with CACNA1C-related features (PMID: 35947370). This variant has been reported in individuals with LQTS, HCM and comprehensive inherited heart disease (VCGS internal data); No published evidence of segregation with disease has been identified for this variant; No published functional evidence has been identified for this variant; No comparable variants have previous evidence for pathogenicity. p.(Arg1819Trp) has been classified as a VUS by a clinical laboratory in ClinVar; Variant is not located in an established domain, motif, hotspot or informative constraint region; Loss of function and gain of function are known mechanisms of disease in this gene. Loss-of-function variants are associated with neurodevelopmental disorder with hypotonia, language delay, and skeletal defects with or without seizures (MIM#620029) (PMID: 34163037). Gain-of-function missense variants result in loss of channel inactivation and increased current, and are associated with long QT syndrome 8 (MIM#618447) and Timothy syndrome (MIM#601005, PMID: 25260352); Variants in this gene are known to have variable expressivity. Parents with the same variant as their affected child have been observed to have a less severe phenotype (PMID: 34163037); Inheritance information for this variant is not currently available in this individual.

Mayo Clinic Laboratories, Mayo Clinic
Classification: Uncertain significance. Last evaluated: 2024-09-06. Review status: criteria provided, single submitter. Criteria: ACMG Guidelines, 2015. Collection method: clinical testing. Allele origin: germline. Observed: 1 variant allele.
Comment: PP2

Blueprint Genetics
Classification: Likely benign. Last evaluated: 2024-09-05. Review status: criteria provided, single submitter. Criteria: ACMG Guidelines, 2015. Collection method: clinical testing. Allele origin: germline.

Ambry Genetics
Classification: Likely benign for Cardiovascular phenotype. Last evaluated: 2022-01-12. Review status: criteria provided, single submitter. Criteria: Ambry Variant Classification Scheme 2023. Collection method: clinical testing. Allele origin: germline.

Fulgent Genetics
Classification: Uncertain significance for Timothy syndrome; Brugada syndrome 3. Last evaluated: 2018-10-31. Review status: criteria provided, single submitter. Criteria: ACMG Guidelines, 2015. Collection method: clinical testing. Allele origin: unknown.

Literature cited by the submitters: PubMed 25260352 (cited by Victorian Clinical Genetics Services, Murdoch Childrens Research Institute); PubMed 34163037 (cited by Victorian Clinical Genetics Services, Murdoch Childrens Research Institute); PubMed 35947370 (cited by Victorian Clinical Genetics Services, Murdoch Childrens Research Institute).

NM_000719.7(CACNA1C):c.5456G>A (p.Arg1819Gln)

Genes: CACNA1C (calcium voltage-gated channel subunit alpha1 C; plus strand), CACNA1C-AS1 (CACNA1C antisense RNA 1; minus strand). Cytogenetic location: 12p13.33.
Variant type: single nucleotide variant.
Coding change: c.5456G>A on transcript NM_000719.7 (MANE Select); coding-DNA position 5456, G replaced by A.
Protein change: p.Arg1819Gln; replaces arginine 1819 with glutamine.
Molecular consequence: missense variant.
Genome position (GRCh38, 1-based): chr12:2,682,561, G>A. VCF-style: chr12-2682561-G-A. GRCh37 (hg19) VCF-style: chr12-2791727-G-A.
Other names: p.Arg1819Gln; c.5600G>A, p.Arg1867Gln (NM_001129827.2); c.5579G>A, p.Arg1860Gln (NM_001129829.2); c.5561G>A, p.Arg1854Gln (NM_001129830.3, NM_001167624.3); c.5540G>A, p.Arg1847Gln (NM_001129831.2); c.5516G>A, p.Arg1839Gln (NM_001129832.2); c.5513G>A, p.Arg1838Gln (NM_001129833.2, NM_001129834.2, NM_001129835.2); c.5507G>A, p.Arg1836Gln (NM_001129836.2); and 7 more; short protein forms R1854Q, R1867Q, R1819Q, R1825Q, R1827Q, R1839Q, R1816Q, R1808Q.
Identifiers: ClinVar variation 456980 (VCV000456980.19), dbSNP rs764212214, ClinGen allele CA6389870.